The following is an entry in ClinVar:

ClinVar aggregate classification (germline): Uncertain significance (1 of 4 stars; one submission).

Conditions:
Norman-Roberts syndrome (LIS2). Also called: Lissencephaly 2 (Norman-Roberts type). Identifiers: Orphanet 89844, MedGen C0796089, MONDO:0009760, OMIM 257320.
Familial temporal lobe epilepsy 7. Identifiers: Orphanet 101046, MedGen C4225327, MONDO:0014639, OMIM 616436.

Allele frequency attached by ClinVar (database versions not stated): TOPMed 0.00001.

Submission:

Labcorp Genetics (formerly Invitae), Labcorp
Classification: Uncertain significance for Familial temporal lobe epilepsy 7; Norman-Roberts syndrome. Last evaluated: 2022-02-10. Review status: criteria provided, single submitter. Criteria: Invitae Variant Classification Sherloc (09022015). Collection method: clinical testing. Allele origin: germline.
Comment: This sequence change replaces proline, which is neutral and non-polar, with serine, which is neutral and polar, at codon 2824 of the RELN protein (p.Pro2824Ser). This variant is not present in population databases (gnomAD no frequency). This variant has not been reported in the literature in individuals affected with RELN-related conditions. ClinVar contains an entry for this variant (Variation ID: 940049). In summary, the available evidence is currently insufficient to determine the role of this variant in disease. Therefore, it has been classified as a Variant of Uncertain Significance. Algorithms developed to predict the effect of missense changes on protein structure and function are either unavailable or do not agree on the potential impact of this missense change (SIFT: "Deleterious"; PolyPhen-2: "Benign"; Align-GVGD: "Class C0").

NM_005045.4(RELN):c.8470C>T (p.Pro2824Ser)

Genes: RELN (reelin; minus strand), SLC26A5-AS1 (SLC26A5 antisense RNA 1; plus strand). Cytogenetic location: 7q22.1.
Variant type: single nucleotide variant.
Coding change: c.8470C>T on transcript NM_005045.4 (MANE Select); coding-DNA position 8470, C replaced by T.
Protein change: p.Pro2824Ser; replaces proline 2824 with serine.
Molecular consequence: missense variant.
Genome position (GRCh38, 1-based): chr7:103,503,035, G>A on the plus strand (C>T on the coding strand, the complement: RELN is on the minus strand). VCF-style: chr7-103503035-G-A. GRCh37 (hg19) VCF-style: chr7-103143482-G-A.
Other names: c.8470C>T, p.Pro2824Ser (NM_173054.3); short protein forms P2824S.
Identifiers: ClinVar variation 940049 (VCV000940049.9), dbSNP rs1224908089, ClinGen allele CA368756648.
Genomic context (GRCh38, chr7:103,503,035, plus strand): 5'-TGGATGCTTGGAACCAGGCTTTGTTTTAGTTTTCTACTTACTTTCCCACTAAGCTTTCAG[G>A]AAGTGGGTAGGTGATCCTTTTCCACCCTTTAGTTGGAAAGAATACAGATGGCTGAGAAAC-3'
Protein context (NP_005036.2, residues 2814-2834): KGWKRITYPL[Pro2824Ser]ESLVGNPVRF